The following is an entry in ClinVar:

ClinVar aggregate classification (germline): Likely pathogenic (1 of 4 stars; one submission).

Conditions:
Retinal dystrophy. Also called: Inherited retinal dystrophy. Identifiers: Orphanet 71862, MedGen C0854723, MeSH D058499, MONDO:0019118, HP:0000556.

Submission:

DBGen Ocular Genomics
Classification: Likely pathogenic for Retinal Dystrophy. Last evaluated: 2023-01-01. Review status: criteria provided, single submitter. Criteria: ACMG Guidelines, 2015. Collection method: clinical testing. Allele origin: unknown. Inheritance: Autosomal dominant inheritance. Affected: yes.
Comment: Class 4 ACMG Guidelines, 2015 (PMID:25741868)

NM_033629.6(TREX1):c.940del (p.Glu314fs)

Genes: ATRIP (ATR interacting protein; plus strand), ATRIP-TREX1 (ATRIP-TREX1 readthrough; plus strand), TREX1 (three prime repair exonuclease 1; plus strand). Cytogenetic location: 3p21.31.
Variant type: Deletion.
Coding change: c.940del on transcript NM_033629.6 (MANE Select); coding-DNA position 940, one base deleted (G; older notation c.940delG).
Protein change: p.Glu314fs; shifts the reading frame from glutamic acid 314.
Molecular consequence: frameshift variant. On other transcripts: non-coding transcript variant (1), 3 prime UTR variant (4).
Genome position (GRCh38, 1-based): chr3:48,467,595, G deleted; the last of 4 consecutive G bases (chr3:48,467,592-48,467,595); deleting any one gives the same sequence. VCF-style (leftmost placement, unchanged base first): chr3-48467591-TG-T. GRCh37 (hg19) VCF-style: chr3-48508990-TG-T.
Other names: c.910del, p.Glu304fs (NM_007248.5); c.*2041del (NM_001271022.2, NM_001271023.2, NM_032166.4 and 1 more transcripts); short protein forms E304fs, E314fs.
Identifiers: ClinVar variation 2628031 (VCV002628031.2), dbSNP rs2530048530, ClinGen allele CA2695197900.